The following is an entry in ClinVar:

NM_020680.4(SCYL1):c.524G>T (p.Arg175Leu)

Gene: SCYL1 (SCY1 like pseudokinase 1; plus strand). Cytogenetic location: 11q13.1.
Variant type: single nucleotide variant.
Coding change: c.524G>T on transcript NM_020680.4 (MANE Select); coding-DNA position 524, G replaced by T.
Protein change: p.Arg175Leu; replaces arginine 175 with leucine.
Molecular consequence: missense variant. On other transcripts: intron variant (4).
Genome position (GRCh38, 1-based): chr11:65,526,272, G>T. VCF-style: chr11-65526272-G-T. GRCh37 (hg19) VCF-style: chr11-65293743-G-T.
Other names: c.524G>T, p.Arg175Leu (NM_001048218.2, NM_001411022.1, NM_001425179.1 and 19 more transcripts); c.521G>T, p.Arg174Leu (NM_001425180.1, NM_001425183.1); c.269G>T, p.Arg90Leu (NM_001425199.1); c.260G>T, p.Arg87Leu (NM_001425200.1); c.95G>T, p.Arg32Leu (NM_001425203.1, NM_001425204.1, NM_001425205.1 and 2 more transcripts); c.-11+229G>T (NM_001425208.1, NM_001425211.1, NM_001425209.1 and 1 more transcripts); short protein forms R87L, R174L, R175L, R90L, R32L.
Identifiers: ClinVar variation 4978718 (VCV004978718.1).

ClinVar aggregate classification (germline): Uncertain significance (1 of 4 stars; one submission).

Conditions:
SCYL1-related disorder. Also called: SCYL1-related condition.

Submission:

PreventionGenetics, part of Exact Sciences
Classification: Uncertain significance for SCYL1-related condition. Last evaluated: 2026-05-13. Review status: criteria provided, single submitter. Criteria: ACMG Guidelines, 2015. Collection method: clinical testing. Allele origin: germline.
Comment: The SCYL1 c.524G>T variant is predicted to result in the amino acid substitution p.Arg175Leu. To our knowledge, this variant has not been reported in the literature. This variant is reported in 0.0098% of alleles in individuals of South Asian descent in gnomAD. At this time, the clinical significance of this variant is uncertain due to the absence of conclusive functional and genetic evidence.